The following is an entry in ClinVar:

NM_000059.4(BRCA2):c.8349T>C (p.Thr2783=)

Gene: BRCA2 (BRCA2 DNA repair associated; plus strand). Cytogenetic location: 13q13.1.
Variant type: single nucleotide variant.
Coding change: c.8349T>C on transcript NM_000059.4 (MANE Select); coding-DNA position 8349, T replaced by C.
Protein change: p.Thr2783=; no amino-acid change (threonine 2783 retained).
Molecular consequence: synonymous variant.
Genome position (GRCh38, 1-based): chr13:32,370,419, T>C. VCF-style: chr13-32370419-T-C. GRCh37 (hg19) VCF-style: chr13-32944556-T-C.
Identifiers: ClinVar variation 385852 (VCV000385852.10), dbSNP rs1057522346, ClinGen allele CA16607494.

ClinVar aggregate classification (germline): Likely benign. Review status: criteria provided, multiple submitters, no conflicts (2 of 4 stars). 3 submissions from 3 submitters: Likely benign (3). Last evaluated 2025-02-07.

Conditions:
Hereditary cancer-predisposing syndrome. Also called: Hereditary Cancer Syndrome; Hereditary neoplastic syndrome; Neoplastic Syndromes, Hereditary; Tumor predisposition. Identifiers: Orphanet 140162, MedGen C0027672, MeSH D009386, MONDO:0015356.
Hereditary breast ovarian cancer syndrome. Also called: Hereditary breast and ovarian cancer syndrome; Hereditary breast and ovarian cancer; Breast and ovarian cancer; BRCA1- and BRCA2-Associated Hereditary Breast and Ovarian Cancer; Hereditary breast and/or ovarian cancer syndrome; Hereditary breast and ovarian cancer syndrome (HBOC). Identifiers: Orphanet 145, MedGen C0677776, MeSH D061325, MONDO:0003582. Disease mechanism: loss of function.

Submissions (3):

Labcorp Genetics (formerly Invitae), Labcorp
Classification: Likely benign for Hereditary breast ovarian cancer syndrome. Last evaluated: 2025-02-07. Review status: criteria provided, single submitter. Criteria: Invitae Variant Classification Sherloc (09022015). Collection method: clinical testing. Allele origin: germline.

Ambry Genetics
Classification: Likely benign for Hereditary cancer-predisposing syndrome. Last evaluated: 2023-03-09. Review status: criteria provided, single submitter. Criteria: Ambry Variant Classification Scheme 2023. Collection method: clinical testing. Allele origin: germline.

GeneDx
Classification: Likely benign. Last evaluated: 2017-07-17. Review status: criteria provided, single submitter. Criteria: GeneDx Variant Classification (06012015). Collection method: clinical testing. Allele origin: germline. Affected: yes.
Comment: This variant is considered likely benign or benign based on one or more of the following criteria: it is a conservative change, it occurs at a poorly conserved position in the protein, it is predicted to be benign by multiple in silico algorithms, and/or has population frequency not consistent with disease.